The following is an entry in ClinVar:

NM_001101426.4:c.(278+1_279-1)_(1355+1_1356-1)del

Gene: CRPPA (CDP-L-ribitol pyrophosphorylase A; minus strand).
Variant type: Deletion.
Other names: c.(278+1_279-1)_(1355+1_1356-1)del (NM_001101426.4).
Identifiers: ClinVar variation 3773677 (VCV003773677.2).

ClinVar aggregate classification (germline): Likely pathogenic (1 of 4 stars; one submission).

Conditions:
Muscular dystrophy-dystroglycanopathy (congenital with brain and eye anomalies), type A, 7. Also called: WALKER-WARBURG SYNDROME OR MUSCLE-EYE-BRAIN DISEASE, ISPD-RELATED; Congenital muscular dystrophy-dystroglycanopathy with brain and eye anomalies, type A7. Identifiers: Orphanet 899, MedGen C3553330, MONDO:0013835, OMIM 614643.

Submission:

Institute of Human Genetics, University of Leipzig Medical Center
Classification: Likely pathogenic for Muscular dystrophy-dystroglycanopathy (congenital with brain and eye anomalies), type A, 7. Last evaluated: 2025-03-04. Review status: criteria provided, single submitter. Criteria: ACMG Guidelines, 2015. Collection method: clinical testing. Allele origin: unknown. Affected: yes.
Comment: Criteria applied: PVS1_STR,PM3, PM2